The following is an entry in ClinVar:

NM_001164508.2(NEB):c.12497T>C (p.Val4166Ala)

Gene: NEB (nebulin; minus strand). Cytogenetic location: 2q23.3.
Variant type: single nucleotide variant.
Coding change: c.12497T>C on transcript NM_001164508.2 (MANE Select); coding-DNA position 12497, T replaced by C.
Protein change: p.Val4166Ala; replaces valine 4166 with alanine.
Molecular consequence: missense variant. On other transcripts: intron variant (1).
Genome position (GRCh38, 1-based): chr2:151,608,510, A>G on the plus strand (T>C on the coding strand, the complement: NEB is on the minus strand). VCF-style: chr2-151608510-A-G. GRCh37 (hg19) VCF-style: chr2-152465024-A-G.
Other names: c.12497T>C, p.Val4166Ala (NM_001164507.2, NM_001271208.2); c.11601+1299T>C (NM_004543.5); short protein forms V4166A.
Identifiers: ClinVar variation 681814 (VCV000681814.1), dbSNP rs1579059166, ClinGen allele CA348775578.

ClinVar aggregate classification (germline): Likely benign (1 of 4 stars; one submission).

Submission:

GeneDx
Classification: Likely benign. Last evaluated: 2018-04-12. Review status: criteria provided, single submitter. Criteria: GeneDx Variant Classification (06012015). Collection method: clinical testing. Allele origin: germline. Affected: yes.
Comment: This variant is considered likely benign or benign based on one or more of the following criteria: it is a conservative change, it occurs at a poorly conserved position in the protein, it is predicted to be benign by multiple in silico algorithms, and/or has population frequency not consistent with disease.